The following is an entry in ClinVar:

NM_198503.5(KCNT2):c.2027C>A (p.Pro676Gln)

Gene: KCNT2 (potassium sodium-activated channel subfamily T member 2; minus strand). Cytogenetic location: 1q31.3.
Variant type: single nucleotide variant.
Coding change: c.2027C>A on transcript NM_198503.5 (MANE Select); coding-DNA position 2027, C replaced by A.
Protein change: p.Pro676Gln; replaces proline 676 with glutamine.
Molecular consequence: missense variant. On other transcripts: non-coding transcript variant (2).
Genome position (GRCh38, 1-based): chr1:196,331,232, G>T on the plus strand (C>A on the coding strand, the complement: KCNT2 is on the minus strand). VCF-style: chr1-196331232-G-T. GRCh37 (hg19) VCF-style: chr1-196300362-G-T.
Other names: c.2027C>A, p.Pro676Gln (NM_001287819.3); c.1877C>A, p.Pro626Gln (NM_001287820.3); short protein forms P626Q, P676Q.
Identifiers: ClinVar variation 5002293 (VCV005002293.1).

ClinVar aggregate classification (germline): Uncertain significance (1 of 4 stars; one submission).

Conditions:
KCNT2-related disorder. Also called: KCNT2-related condition. Identifiers: MedGen CN236796.

Submission:

PreventionGenetics, part of Exact Sciences
Classification: Uncertain significance for KCNT2-related condition. Last evaluated: 2025-08-08. Review status: criteria provided, single submitter. Criteria: ACMG Guidelines, 2015. Collection method: clinical testing. Allele origin: germline.
Comment: The KCNT2 c.2027C>A variant is predicted to result in the amino acid substitution p.Pro676Gln. To our knowledge, this variant has not been reported in the literature or in a large population database (gnomAD), indicating this variant is rare. At this time, the clinical significance of this variant is uncertain due to the absence of conclusive functional and genetic evidence.